The following is an entry in ClinVar:

NM_014009.4(FOXP3):c.733C>G (p.Gln245Glu)

Gene: FOXP3 (forkhead box P3; minus strand). Cytogenetic location: Xp11.23.
Variant type: single nucleotide variant.
Coding change: c.733C>G on transcript NM_014009.4 (MANE Select); coding-DNA position 733, C replaced by G.
Protein change: p.Gln245Glu; replaces glutamine 245 with glutamic acid.
Molecular consequence: missense variant.
Genome position (GRCh38, 1-based): chrX:49,255,717, G>C on the plus strand (C>G on the coding strand, the complement: FOXP3 is on the minus strand). VCF-style: chrX-49255717-G-C. GRCh37 (hg19) VCF-style: chrX-49112178-G-C.
Other names: c.628C>G, p.Gln210Glu (NM_001114377.2); short protein forms Q245E, Q210E.
Identifiers: ClinVar variation 1394649 (VCV001394649.8), dbSNP rs2147947487, ClinGen allele CA412951054.

ClinVar aggregate classification (germline): Uncertain significance (1 of 4 stars; one submission).

Conditions:
Insulin-dependent diabetes mellitus secretory diarrhea syndrome (IPEX). Also called: Immune dysregulation-polyendocrinopathy-enteropathy-X-linked syndrome; IMMUNODEFICIENCY, POLYENDOCRINOPATHY, AND ENTEROPATHY, X-LINKED; DIABETES MELLITUS, CONGENITAL INSULIN-DEPENDENT, WITH FATAL SECRETORY DIARRHEA; DIARRHEA, POLYENDOCRINOPATHY, FATAL INFECTION SYNDROME, X-LINKED; ENTEROPATHY, AUTOIMMUNE, WITH HEMOLYTIC ANEMIA AND POLYENDOCRINOPATHY; Immunodysregulation, polyendocrinopathy, and enteropathy, X-linked. Identifiers: Orphanet 37042, MedGen C0342288, MONDO:0010580, OMIM 304790. Disease mechanism: loss of function.

Submission:

Labcorp Genetics (formerly Invitae), Labcorp
Classification: Uncertain significance for Insulin-dependent diabetes mellitus secretory diarrhea syndrome. Last evaluated: 2021-05-12. Review status: criteria provided, single submitter. Criteria: Invitae Variant Classification Sherloc (09022015). Collection method: clinical testing. Allele origin: germline.
Comment: This sequence change replaces glutamine with glutamic acid at codon 245 of the FOXP3 protein (p.Gln245Glu). The glutamine residue is moderately conserved and there is a small physicochemical difference between glutamine and glutamic acid. This variant is not present in population databases (ExAC no frequency). This variant has not been reported in the literature in individuals with FOXP3-related conditions. Algorithms developed to predict the effect of missense changes on protein structure and function (SIFT, PolyPhen-2, Align-GVGD) all suggest that this variant is likely to be tolerated, but these predictions have not been confirmed by published functional studies and their clinical significance is uncertain. In summary, the available evidence is currently insufficient to determine the role of this variant in disease. Therefore, it has been classified as a Variant of Uncertain Significance.